The following is an entry in ClinVar:

NM_173551.5(ANKS6):c.1621C>T (p.Arg541Ter)

Gene: ANKS6 (ankyrin repeat and sterile alpha motif domain containing 6; minus strand). Cytogenetic location: 9q22.33.
Variant type: single nucleotide variant.
Coding change: c.1621C>T on transcript NM_173551.5 (MANE Select); coding-DNA position 1621, C replaced by T.
Protein change: p.Arg541Ter; replaces arginine 541 with a stop codon.
Molecular consequence: nonsense.
Genome position (GRCh38, 1-based): chr9:98,774,077, G>A on the plus strand (C>T on the coding strand, the complement: ANKS6 is on the minus strand). VCF-style: chr9-98774077-G-A. GRCh37 (hg19) VCF-style: chr9-101536359-G-A.
Other names: short protein forms R541*.
Identifiers: ClinVar variation 5007482 (VCV005007482.2).

ClinVar aggregate classification (germline): Likely pathogenic (1 of 4 stars; one submission).

Conditions:
Nephronophthisis 16 (NPHP16). Identifiers: Orphanet 655, MedGen C3809320, MONDO:0014158, OMIM 615382.

Submission:

Juno Genomics, Hangzhou Juno Genomics, Inc
Classification: Likely pathogenic for Nephronophthisis 16. Review status: criteria provided, single submitter. Criteria: ACMG Guidelines, 2015. Collection method: clinical testing. Allele origin: germline.
Comment: Null variant in a gene where loss of function (LOF) is a known mechanism of disease.;Absent from controls (or at extremely low frequency if recessive) in Genome Aggregation Database.